The following is an entry in ClinVar:

ClinVar aggregate classification (germline): Uncertain significance. Review status: criteria provided, multiple submitters, no conflicts (2 of 4 stars). 3 submissions from 3 submitters: Uncertain significance (3). Last evaluated 2025-09-12.

Conditions:
Hereditary cancer-predisposing syndrome. Also called: Neoplastic Syndromes, Hereditary; Tumor predisposition; Hereditary Cancer Syndrome; Hereditary neoplastic syndrome. Identifiers: Orphanet 140162, MedGen C0027672, MeSH D009386, MONDO:0015356.
Tuberous sclerosis 2 (TSC2). Identifiers: Orphanet 805, MedGen C1860707, MONDO:0013199, OMIM 613254.
Isolated focal cortical dysplasia type II (FCORD2). Also called: Focal cortical dysplasia type II; CORTICAL DYSPLASIA OF TAYLOR. Identifiers: Orphanet 268994, MedGen C1846385, MONDO:0011818, OMIM 607341, HP:0032051.
Lymphangiomyomatosis (LAM). Also called: Lymphangioleiomyomatosis; Lymphangioleiomyomatosis, somatic. Identifiers: Orphanet 538, MedGen C0751674, MONDO:0011705, OMIM 606690.

Allele frequency attached by ClinVar (database versions not stated): TOPMed below 0.00001; gnomAD 0.00001.

Submissions (3):

Labcorp Genetics (formerly Invitae), Labcorp
Classification: Uncertain significance for Tuberous sclerosis 2. Last evaluated: 2025-09-12. Review status: criteria provided, single submitter. Criteria: Invitae Variant Classification Sherloc (09022015). Collection method: clinical testing. Allele origin: germline.
Comment: This sequence change replaces proline, which is neutral and non-polar, with alanine, which is neutral and non-polar, at codon 605 of the TSC2 protein (p.Pro605Ala). This variant is not present in population databases (gnomAD no frequency). This variant has not been reported in the literature in individuals affected with TSC2-related conditions. ClinVar contains an entry for this variant (Variation ID: 535955). Invitae Evidence Modeling of protein sequence and biophysical properties (such as structural, functional, and spatial information, amino acid conservation, physicochemical variation, residue mobility, and thermodynamic stability) indicates that this missense variant is not expected to disrupt TSC2 protein function with a negative predictive value of 95%. In summary, the available evidence is currently insufficient to determine the role of this variant in disease. Therefore, it has been classified as a Variant of Uncertain Significance.

Ambry Genetics
Classification: Uncertain significance for Hereditary cancer-predisposing syndrome. Last evaluated: 2022-05-12. Review status: criteria provided, single submitter. Criteria: Ambry Variant Classification Scheme 2023. Collection method: clinical testing. Allele origin: germline.
Comment: The p.P605A variant (also known as c.1813C>G), located in coding exon 16 of the TSC2 gene, results from a C to G substitution at nucleotide position 1813. The proline at codon 605 is replaced by alanine, an amino acid with highly similar properties. This amino acid position is conserved. In addition, the in silico prediction for this alteration is inconclusive. Since supporting evidence is limited at this time, the clinical significance of this alteration remains unclear.

Fulgent Genetics
Classification: Uncertain significance for Lymphangiomyomatosis; Isolated focal cortical dysplasia type II; Tuberous sclerosis 2. Last evaluated: 2021-07-08. Review status: criteria provided, single submitter. Criteria: ACMG Guidelines, 2015. Collection method: clinical testing. Allele origin: unknown.

NM_000548.5(TSC2):c.1813C>G (p.Pro605Ala)

Gene: TSC2 (TSC complex subunit 2; plus strand). Cytogenetic location: 16p13.3.
Variant type: single nucleotide variant.
Coding change: c.1813C>G on transcript NM_000548.5 (MANE Select); coding-DNA position 1813, C replaced by G.
Protein change: p.Pro605Ala; replaces proline 605 with alanine.
Molecular consequence: missense variant.
Genome position (GRCh38, 1-based): chr16:2,070,552, C>G. VCF-style: chr16-2070552-C-G. GRCh37 (hg19) VCF-style: chr16-2120553-C-G.
Other names: c.1813C>G, p.Pro605Ala (NM_001077183.3, NM_001114382.3, NM_001363528.2 and 3 more transcripts); c.1702C>G, p.Pro568Ala (NM_001318827.2); c.1666C>G, p.Pro556Ala (NM_001318829.2); c.1213C>G, p.Pro405Ala (NM_001318831.2); c.1846C>G, p.Pro616Ala (NM_001318832.2); short protein forms P605A, P556A, P568A, P616A, P405A.
Identifiers: ClinVar variation 535955 (VCV000535955.15), dbSNP rs1295352648, ClinGen allele CA394272973.